The following is an entry in ClinVar:

NM_006949.4(STXBP2):c.1356+77A>G

Gene: STXBP2 (syntaxin binding protein 2; plus strand). Cytogenetic location: 19p13.2.
Variant type: single nucleotide variant.
Coding change: c.1356+77A>G on transcript NM_006949.4 (MANE Select); 77 bases into the intron after coding-DNA position 1356, A replaced by G.
Molecular consequence: intron variant.
Genome position (GRCh38, 1-based): chr19:7,645,383, A>G. VCF-style: chr19-7645383-A-G. GRCh37 (hg19) VCF-style: chr19-7710269-A-G.
Other names: c.1389+77A>G (NM_001272034.2); c.1347+77A>G (NM_001127396.3).
Identifiers: ClinVar variation 1264016 (VCV001264016.5), dbSNP rs710951, ClinGen allele CA14682422.

ClinVar aggregate classification (germline): Benign. Review status: criteria provided, multiple submitters, no conflicts (2 of 4 stars). 3 submissions from 3 submitters: Benign (3). Last evaluated 2023-11-12.

Allele frequency attached by ClinVar (database versions not stated): gnomAD exomes 0.62712; gnomAD 0.67841 and 0.68394; TOPMed 0.68381; 1000 Genomes Project 30x 0.70924; 1000 Genomes Project 0.71166.
gnomAD v4.1: 867,646 of 1,370,374 alleles (63%); highest among the groups gnomAD compares: East Asian, 85%; 278,445 homozygotes.

Submissions (3):

Unidad de Genómica Garrahan, Hospital de Pediatría Garrahan
Classification: Benign. Last evaluated: 2023-11-12. Review status: criteria provided, single submitter. Criteria: ACMG Guidelines, 2015. Collection method: clinical testing. Allele origin: germline. Affected: no. Observed: 71 variant alleles.
Comment: This variant is classified as Benign based on local population frequency. This variant was detected in 74% of patients studied by a panel of primary immunodeficiencies. Number of patients: 71. Only high quality variants are reported.

GeneDx
Classification: Benign. Last evaluated: 2018-11-12. Review status: criteria provided, single submitter. Criteria: GeneDx Variant Classification Process June 2021. Collection method: clinical testing. Allele origin: germline. Affected: yes.

Breakthrough Genomics
Classification: Benign. Review status: criteria provided, single submitter. Criteria: ACMG Guidelines, 2015. Collection method: not provided. Allele origin: germline. Inheritance: Autosomal recessive inheritance. Affected: yes.